The following is an entry in ClinVar:

NM_000368.5(TSC1):c.1716C>A (p.Cys572Ter)

Gene: TSC1 (TSC complex subunit 1; minus strand). Cytogenetic location: 9q34.13.
Variant type: single nucleotide variant.
Coding change: c.1716C>A on transcript NM_000368.5 (MANE Select); coding-DNA position 1716, C replaced by A.
Protein change: p.Cys572Ter; replaces cysteine 572 with a stop codon.
Molecular consequence: nonsense. On other transcripts: non-coding transcript variant (5).
Genome position (GRCh38, 1-based): chr9:132,905,862, G>T on the plus strand (C>A on the coding strand, the complement: TSC1 is on the minus strand). VCF-style: chr9-132905862-G-T. GRCh37 (hg19) VCF-style: chr9-135781249-G-T.
Other names: c.1716C>A, p.Cys572Ter (NM_001406606.1, NM_001406607.1, NM_001406601.1 and 7 more transcripts); c.1713C>A, p.Cys571Ter (NM_001406608.1, NM_001406609.1, NM_001406597.1 and 6 more transcripts); c.1563C>A, p.Cys521Ter (NM_001406610.1, NM_001162427.2); c.1560C>A, p.Cys520Ter (NM_001406611.1, NM_001406612.1, NM_001406613.1); c.1353C>A, p.Cys451Ter (NM_001406614.1, NM_001406615.1, NM_001362177.2 and 5 more transcripts); c.1350C>A, p.Cys450Ter (NM_001406620.1, NM_001406621.1, NM_001406622.1 and 2 more transcripts); c.765C>A, p.Cys255Ter (NM_001406626.1); c.762C>A, p.Cys254Ter (NM_001406627.1, NM_001406628.1); and 1 more; short protein forms C255*, C520*, C571*, C521*, C221*, C254*, C450*, C451*.
Identifiers: ClinVar variation 5031190 (VCV005031190.1).

ClinVar aggregate classification (germline): Pathogenic (1 of 4 stars; one submission).

Conditions:
Hereditary cancer-predisposing syndrome. Also called: Neoplastic Syndromes, Hereditary; Tumor predisposition; Hereditary neoplastic syndrome; Hereditary Cancer Syndrome. Identifiers: Orphanet 140162, MedGen C0027672, MeSH D009386, MONDO:0015356.

Submission:

Ambry Genetics
Classification: Pathogenic for Hereditary cancer-predisposing syndrome. Last evaluated: 2026-07-22. Review status: criteria provided, single submitter. Criteria: Ambry Variant Classification Scheme 2023. Collection method: clinical testing. Allele origin: germline.
Comment: The p.C572* pathogenic mutation (also known as c.1716C>A), located in coding exon 13 of the TSC1 gene, results from a C to A substitution at nucleotide position 1716. This changes the amino acid from a cysteine to a stop codon within coding exon 13. This variant is considered to be rare based on population cohorts in the Genome Aggregation Database (gnomAD). This alteration is expected to result in loss of function by premature protein truncation or nonsense-mediated mRNA decay. As such, this alteration is interpreted as a disease-causing mutation.